The following is an entry in ClinVar:

ClinVar aggregate classification (germline): Uncertain significance (1 of 4 stars; one submission).

Allele frequency attached by ClinVar (database versions not stated): gnomAD exomes below 0.00001.
gnomAD v4.1: 5 of 1,614,168 alleles (0.00031%); highest among the groups gnomAD compares: African/African-American, 0.0013%; no homozygotes.

Submission:

GeneDx
Classification: Uncertain significance. Last evaluated: 2022-05-04. Review status: criteria provided, single submitter. Criteria: GeneDx Variant Classification Process June 2021. Collection method: clinical testing. Allele origin: germline. Affected: yes.
Comment: Not observed at significant frequency in large population cohorts (gnomAD); In silico analysis supports that this missense variant has a deleterious effect on protein structure/function; Has not been previously published as pathogenic or benign to our knowledge; This variant is associated with the following publications: (PMID: 25471517)

NM_005051.3(QARS1):c.1664C>G (p.Ala555Gly)

Gene: QARS1 (glutaminyl-tRNA synthetase 1; minus strand). Cytogenetic location: 3p21.31.
Variant type: single nucleotide variant.
Coding change: c.1664C>G on transcript NM_005051.3 (MANE Select); coding-DNA position 1664, C replaced by G.
Protein change: p.Ala555Gly; replaces alanine 555 with glycine.
Molecular consequence: missense variant. On other transcripts: non-coding transcript variant (1).
Genome position (GRCh38, 1-based): chr3:49,099,204, G>C on the plus strand (C>G on the coding strand, the complement: QARS1 is on the minus strand). VCF-style: chr3-49099204-G-C. GRCh37 (hg19) VCF-style: chr3-49136637-G-C.
Other names: c.1631C>G, p.Ala544Gly (NM_001272073.2); short protein forms A544G, A555G.
Identifiers: ClinVar variation 1722903 (VCV001722903.2), dbSNP rs1294758889, ClinGen allele CA352703995.
Genomic context (GRCh38, chr3:49,099,204, plus strand): 5'-AGTGACTCCAGCACAGCCATGGCTCGTGGGGCTGTGTCATTCAGCACATCACGCACACAG[G>C]CTTCTAGAAGATGTGGCTCCATTGTGGTTTGTGCCACAGTCACTCCCACCTGGCAGGAAA-3'
Protein context (NP_005042.1, residues 545-565): QTTMEPHLLE[Ala555Gly]CVRDVLNDTA